The following is an entry in ClinVar:

NM_002432.3(MNDA):c.262A>G (p.Lys88Glu)

Gene: MNDA (myeloid cell nuclear differentiation antigen; plus strand). Cytogenetic location: 1q23.1.
Variant type: single nucleotide variant.
Coding change: c.262A>G on transcript NM_002432.3 (MANE Select); coding-DNA position 262, A replaced by G.
Protein change: p.Lys88Glu; replaces lysine 88 with glutamic acid.
Molecular consequence: missense variant.
Genome position (GRCh38, 1-based): chr1:158,842,415, A>G. VCF-style: chr1-158842415-A-G. GRCh37 (hg19) VCF-style: chr1-158812205-A-G.
Other names: short protein forms K88E.
Identifiers: ClinVar variation 1794026 (VCV001794026.2), dbSNP rs2526075789, ClinGen allele CA343037150.

ClinVar aggregate classification (germline): Uncertain significance (1 of 4 stars; one submission).

Submission:

Ambry Genetics
Classification: Uncertain significance. Last evaluated: 2021-08-24. Review status: criteria provided, single submitter. Criteria: Ambry Variant Classification Scheme 2023. Collection method: clinical testing. Allele origin: germline.
Comment: The p.K88E variant (also known as c.262A>G), located in coding exon 1 of the MNDA gene, results from an A to G substitution at nucleotide position 262. The lysine at codon 88 is replaced by glutamic acid, an amino acid with similar properties. This amino acid position is conserved. In addition, this alteration is predicted to be tolerated by in silico analysis. Since supporting evidence is limited at this time, the clinical significance of this alteration remains unclear.